The following is an entry in ClinVar:

ClinVar aggregate classification (germline): Uncertain significance. Review status: criteria provided, multiple submitters, no conflicts (2 of 4 stars). 4 submissions from 4 submitters: Uncertain significance (4). Last evaluated 2025-10-23.

Conditions:
Hereditary cancer-predisposing syndrome. Also called: Hereditary Cancer Syndrome; Tumor predisposition; Neoplastic Syndromes, Hereditary; Hereditary neoplastic syndrome. Identifiers: Orphanet 140162, MedGen C0027672, MeSH D009386, MONDO:0015356.
Familial cancer of breast. Also called: hereditary breast carcinoma; BREAST CANCER, FAMILIAL; Hereditary breast cancer. Identifiers: Orphanet 227535, MedGen C0346153, MONDO:0016419, OMIM 114480. Disease mechanism: loss of function.
Fanconi anemia complementation group J. Also called: BRIP1-Related Fanconi Anemia. Identifiers: Orphanet 84, MedGen C1836860, MONDO:0012187, OMIM 609054.

Submissions (4):

Labcorp Genetics (formerly Invitae), Labcorp
Classification: Uncertain significance for Familial cancer of breast; Fanconi anemia complementation group J. Last evaluated: 2025-10-23. Review status: criteria provided, single submitter. Criteria: Invitae Variant Classification Sherloc (09022015). Collection method: clinical testing. Allele origin: germline.
Comment: This sequence change replaces leucine, which is neutral and non-polar, with valine, which is neutral and non-polar, at codon 1093 of the BRIP1 protein (p.Leu1093Val). This variant is not present in population databases (gnomAD no frequency). This variant has not been reported in the literature in individuals affected with BRIP1-related conditions. ClinVar contains an entry for this variant (Variation ID: 653008). Invitae Evidence Modeling of protein sequence and biophysical properties (such as structural, functional, and spatial information, amino acid conservation, physicochemical variation, residue mobility, and thermodynamic stability) has been performed for this missense variant. However, the output from this modeling did not meet the statistical confidence thresholds required to predict the impact of this variant on BRIP1 protein function. In summary, the available evidence is currently insufficient to determine the role of this variant in disease. Therefore, it has been classified as a Variant of Uncertain Significance.

Ambry Genetics
Classification: Uncertain significance for Hereditary cancer-predisposing syndrome. Last evaluated: 2025-04-04. Review status: criteria provided, single submitter. Criteria: Ambry Variant Classification Scheme 2023. Collection method: clinical testing. Allele origin: germline.
Comment: The p.L1093V variant (also known as c.3277C>G), located in coding exon 19 of the BRIP1 gene, results from a C to G substitution at nucleotide position 3277. The leucine at codon 1093 is replaced by valine, an amino acid with highly similar properties. This amino acid position is well conserved in available vertebrate species. In addition, this alteration is predicted to be tolerated by in silico analysis. Since supporting evidence is limited at this time, the clinical significance of this alteration remains unclear.

GeneDx
Classification: Uncertain significance. Last evaluated: 2022-09-16. Review status: criteria provided, single submitter. Criteria: GeneDx Variant Classification Process June 2021. Collection method: clinical testing. Allele origin: germline. Affected: yes.
Comment: Not observed at significant frequency in large population cohorts (gnomAD); In silico analysis supports that this missense variant does not alter protein structure/function; Has not been previously published as pathogenic or benign to our knowledge

Color Diagnostics, LLC DBA Color Health
Classification: Uncertain significance for Hereditary cancer-predisposing syndrome. Last evaluated: 2021-01-11. Review status: criteria provided, single submitter. Criteria: ACMG Guidelines, 2015. Collection method: clinical testing. Allele origin: germline.
Comment: This missense variant replaces leucine with valine at codon 1093 of the BRIP1 protein. Computational prediction suggests that this variant may not impact protein structure and function (internally defined REVEL score threshold <= 0.5, PMID: 27666373). To our knowledge, functional studies have not been reported for this variant. This variant has not been reported in individuals affected with hereditary cancer in the literature. This variant has not been identified in the general population by the Genome Aggregation Database (gnomAD). The available evidence is insufficient to determine the role of this variant in disease conclusively. Therefore, this variant is classified as a Variant of Uncertain Significance.

Literature cited by the submitters: PubMed 18483852 (cited by Ambry Genetics).

NM_032043.3(BRIP1):c.3277C>G (p.Leu1093Val)

Gene: BRIP1 (BRCA1 interacting DNA helicase 1; minus strand). Cytogenetic location: 17q23.2.
Variant type: single nucleotide variant.
Coding change: c.3277C>G on transcript NM_032043.3 (MANE Select); coding-DNA position 3277, C replaced by G.
Protein change: p.Leu1093Val; replaces leucine 1093 with valine.
Molecular consequence: missense variant.
Genome position (GRCh38, 1-based): chr17:61,683,769, G>C on the plus strand (C>G on the coding strand, the complement: BRIP1 is on the minus strand). VCF-style: chr17-61683769-G-C. GRCh37 (hg19) VCF-style: chr17-59761130-G-C.
Other names: short protein forms L1093V.
Identifiers: ClinVar variation 653008 (VCV000653008.15), dbSNP rs876660638, ClinGen allele CA400479075.